The following is an entry in ClinVar:

NM_001042681.2(RERE):c.3809G>A (p.Arg1270His)

Gene: RERE (arginine-glutamic acid dipeptide repeats; minus strand). Cytogenetic location: 1p36.23.
Variant type: single nucleotide variant.
Coding change: c.3809G>A on transcript NM_001042681.2 (MANE Select); coding-DNA position 3809, G replaced by A.
Protein change: p.Arg1270His; replaces arginine 1270 with histidine.
Molecular consequence: missense variant.
Genome position (GRCh38, 1-based): chr1:8,358,726, C>T on the plus strand (G>A on the coding strand, the complement: RERE is on the minus strand). VCF-style: chr1-8358726-C-T. GRCh37 (hg19) VCF-style: chr1-8418786-C-T.
Other names: c.2147G>A, p.Arg716His (NM_001042682.2); c.3809G>A, p.Arg1270His (NM_012102.4); short protein forms R1270H, R716H.
Identifiers: ClinVar variation 2636779 (VCV002636779.1), dbSNP rs1570024195, ClinGen allele CA338169804.

ClinVar aggregate classification (germline): Uncertain significance (1 of 4 stars; one submission).

Conditions:
RERE-related disorder. Also called: RERE-Related Disorders; RERE-related condition. Identifiers: MedGen CN381537.

Allele frequency attached by ClinVar (database versions not stated): gnomAD exomes 0.00001.
gnomAD v4.1: 8 of 1,604,858 alleles (0.0005%); highest among the groups gnomAD compares: Non-Finnish European, 0.00068%; no homozygotes.

Submission:

PreventionGenetics, part of Exact Sciences
Classification: Uncertain significance for RERE-related condition. Last evaluated: 2022-11-17. Review status: criteria provided, single submitter. Criteria: ACMG Guidelines, 2015. Collection method: clinical testing. Allele origin: germline.
Comment: The RERE c.3809G>A variant is predicted to result in the amino acid substitution p.Arg1270His. To our knowledge, this variant has not been reported in the literature or in a large population database, indicating this variant is rare. At this time, the clinical significance of this variant is uncertain due to the absence of conclusive functional and genetic evidence.